The following is an entry in ClinVar:

ClinVar aggregate classification (germline): Uncertain significance. Review status: criteria provided, multiple submitters, no conflicts (2 of 4 stars). 4 submissions from 4 submitters: Uncertain significance (4). Last evaluated 2025-07-10.

Allele frequency attached by ClinVar (database versions not stated): gnomAD 0.00001 and 0.00003; gnomAD exomes 0.00003; 1000 Genomes Project 30x 0.00016; ExAC 0.00018; 1000 Genomes Project 0.00020.
gnomAD v4.1: 31 of 1,525,040 alleles (0.002%); highest among the groups gnomAD compares: Middle Eastern, 0.034%; no homozygotes.

Submissions (4):

Labcorp Genetics (formerly Invitae), Labcorp
Classification: Uncertain significance. Last evaluated: 2025-07-10. Review status: criteria provided, single submitter. Criteria: Invitae Variant Classification Sherloc (09022015). Collection method: clinical testing. Allele origin: germline.
Comment: This sequence change replaces threonine, which is neutral and polar, with isoleucine, which is neutral and non-polar, at codon 1480 of the OTOG protein (p.Thr1480Ile). This variant is present in population databases (rs575174022, gnomAD 0.007%). This variant has not been reported in the literature in individuals affected with OTOG-related conditions. ClinVar contains an entry for this variant (Variation ID: 1479481). An algorithm developed to predict the effect of missense changes on protein structure and function (PolyPhen-2) suggests that this variant is likely to be disruptive. In summary, the available evidence is currently insufficient to determine the role of this variant in disease. Therefore, it has been classified as a Variant of Uncertain Significance.

GeneDx
Classification: Uncertain significance. Last evaluated: 2025-07-02. Review status: criteria provided, single submitter. Criteria: GeneDx Variant Classification Process June 2021. Collection method: clinical testing. Allele origin: germline. Affected: yes.
Comment: Observed in the homozygous state in a patient with hearing loss, epilepsy and autism in published literature; of note, this patient was also homozygous for a variant in a different gene that may contribute to the phenotype (PMID: 30054272); Not observed at significant frequency in large population cohorts (gnomAD); In silico analysis suggests that this missense variant does not alter protein structure/function; This variant is associated with the following publications: (PMID: 30054272)

Blueprint Genetics
Classification: Uncertain significance. Last evaluated: 2022-11-17. Review status: criteria provided, single submitter. Criteria: ACMG Guidelines, 2015. Collection method: clinical testing. Allele origin: germline.

Breakthrough Genomics
Classification: Uncertain significance. Review status: criteria provided, single submitter. Criteria: ACMG Guidelines, 2015. Collection method: not provided. Allele origin: germline. Inheritance: Autosomal recessive inheritance. Affected: yes.

NM_001292063.2(OTOG):c.4403C>T (p.Thr1468Ile)

Gene: OTOG (otogelin; plus strand). Cytogenetic location: 11p15.1.
Variant type: single nucleotide variant.
Coding change: c.4403C>T on transcript NM_001292063.2 (MANE Select); coding-DNA position 4403, C replaced by T.
Protein change: p.Thr1468Ile; replaces threonine 1468 with isoleucine.
Molecular consequence: missense variant.
Genome position (GRCh38, 1-based): chr11:17,609,703, C>T. VCF-style: chr11-17609703-C-T. GRCh37 (hg19) VCF-style: chr11-17631250-C-T.
Other names: c.4439C>T, p.Thr1480Ile (NM_001277269.2); c.4439C>T (NM_001277269.1); short protein forms T1468I, T1480I.
Identifiers: ClinVar variation 1479481 (VCV001479481.8), dbSNP rs575174022, ClinGen allele CA5905846.